The following is an entry in ClinVar:

ClinVar aggregate classification (germline): Uncertain significance (1 of 4 stars; one submission).

Conditions:
NFKB1-related disorder. Also called: NFKB1-related condition.

gnomAD v4.1: 6 of 1,609,574 alleles (0.00037%); highest among the groups gnomAD compares: South Asian, 0.0044%; no homozygotes.

Submission:

PreventionGenetics, part of Exact Sciences
Classification: Uncertain significance for NFKB1-related condition. Last evaluated: 2026-07-02. Review status: criteria provided, single submitter. Criteria: ACMG Guidelines, 2015. Collection method: clinical testing. Allele origin: germline.
Comment: The NFKB1 c.70A>G variant is predicted to result in the amino acid substitution p.Thr24Ala. To our knowledge, this variant has not been reported in the literature. This variant is reported in 0.00089% of alleles in individuals of European (Non-Finnish) descent in gnomAD. At this time, the clinical significance of this variant is uncertain due to the absence of conclusive functional and genetic evidence.

NM_003998.4(NFKB1):c.70A>G (p.Thr24Ala)

Gene: NFKB1 (nuclear factor kappa B subunit 1; plus strand). Cytogenetic location: 4q24.
Variant type: single nucleotide variant.
Coding change: c.70A>G on transcript NM_003998.4 (MANE Select); coding-DNA position 70, A replaced by G.
Protein change: p.Thr24Ala; replaces threonine 24 with alanine.
Molecular consequence: missense variant.
Genome position (GRCh38, 1-based): chr4:102,529,866, A>G. VCF-style: chr4-102529866-A-G. GRCh37 (hg19) VCF-style: chr4-103451023-A-G.
Other names: c.70A>G, p.Thr24Ala (NM_001165412.2, NM_001319226.2, NM_001382625.1 and 2 more transcripts); c.31A>G, p.Thr11Ala (NM_001382628.1); short protein forms T24A, T11A.
Identifiers: ClinVar variation 4978688 (VCV004978688.1).